The following is an entry in ClinVar:

NM_000261.2(MYOC):c.*73G>C

Gene: MYOC (myocilin; minus strand). Cytogenetic location: 1q24.3.
Variant type: single nucleotide variant.
Coding change: c.*73G>C on transcript NM_000261.2 (MANE Select); 73 bases downstream of the stop codon, G replaced by C.
Molecular consequence: 3 prime UTR variant.
Genome position (GRCh38, 1-based): chr1:171,635,852, C>G on the plus strand (G>C on the coding strand, the complement: MYOC is on the minus strand). VCF-style: chr1-171635852-C-G. GRCh37 (hg19) VCF-style: chr1-171604992-C-G.
Identifiers: ClinVar variation 875031 (VCV000875031.4), dbSNP rs74403899, ClinGen allele CA32685184.
Genomic context (GRCh38, chr1:171,635,852, plus strand): 5'-TTCTGGATTAATGAAAACTTGGAAAGCAGTCAAAGCTGCCTGGGCCCTGGCTGGCTGGCT[C>G]TCCCTTCAGCCTGCTCCCCCCAGGAGCCCTGAGCATCTCCTTCTGCCATTGCCTGTACAG-3'

ClinVar aggregate classification (germline): Benign. Review status: criteria provided, single submitter (1 of 4 stars). 2 submissions from 1 submitter: Benign (2). Last evaluated 2017-04-27.

Conditions:
Glaucoma 1, open angle, A (GLC1A). Also called: Glaucoma, Dominant (Juvenile Onset). Identifiers: Orphanet 98977, MedGen C1842028, MONDO:0007664, OMIM 137750.
Glaucoma. Identifiers: MedGen C0017601, MONDO:0005041, HP:0000501.

Allele frequency attached by ClinVar (database versions not stated): TOPMed 0.00066; 1000 Genomes Project 30x 0.00265; 1000 Genomes Project 0.00280.
gnomAD v4.1: 1,025 of 1,552,248 alleles (0.066%); highest among the groups gnomAD compares: East Asian, 2.2%; 16 homozygotes.

Submissions (2):

Illumina Laboratory Services, Illumina
Classification: Benign for Glaucoma. Last evaluated: 2017-04-27. Review status: criteria provided, single submitter. Criteria: ICSL Variant Classification Criteria 13 December 2019. Collection method: clinical testing. Allele origin: germline.
Comment: This variant was observed as part of a predisposition screen in an ostensibly healthy population. A literature search was performed for the gene, cDNA change, and amino acid change (where applicable). Publications were found based on this search. The evidence from the literature, in combination with allele frequency data from public databases where available, was sufficient to rule this variant out of causing disease. Therefore, this variant is classified as benign.

Illumina Laboratory Services, Illumina
Classification: Benign for Glaucoma 1, open angle, A. Last evaluated: 2017-04-27. Review status: criteria provided, single submitter. Criteria: ICSL Variant Classification Criteria 13 December 2019. Collection method: clinical testing. Allele origin: germline.
Comment: the same text as in the submission from Illumina Laboratory Services, Illumina above.

Literature cited by the submitters: PubMed 14767915; PubMed 16148883; PubMed 17893664.